The following is an entry in ClinVar:

ClinVar aggregate classification (germline): Likely benign (1 of 4 stars; one submission).

Submission:

CeGaT Center for Human Genetics Tuebingen
Classification: Likely benign. Last evaluated: 2026-02-01. Review status: criteria provided, single submitter. Criteria: CeGaT Center For Human Genetics Tuebingen Variant Classification Criteria Version 2. Collection method: clinical testing. Allele origin: germline. Affected: yes. Observed: 1 variant allele.
Comment: KDM6B: PM2:Supporting, BP4, BP7

NM_001348716.2(KDM6B):c.570C>G (p.Ala190=)

Gene: KDM6B (lysine demethylase 6B; plus strand). Cytogenetic location: 17p13.1.
Variant type: single nucleotide variant.
Coding change: c.570C>G on transcript NM_001348716.2 (MANE Select); coding-DNA position 570, C replaced by G.
Protein change: p.Ala190=; no amino-acid change (alanine 190 retained).
Molecular consequence: synonymous variant.
Genome position (GRCh38, 1-based): chr17:7,846,599, C>G. VCF-style: chr17-7846599-C-G. GRCh37 (hg19) VCF-style: chr17-7749917-C-G.
Other names: c.570C>G, p.Ala190= (NM_001080424.2).
Identifiers: ClinVar variation 4823463 (VCV004823463.4).
Genomic context (GRCh38, chr17:7,846,599, plus strand): 5'-TGCACCCGTGCCATTTTCTCTTCTCTCTTTTTGTTCTCAGCACAAACGGAACTATGGAGC[C>G]AAGCGGGGAGGTCCCCCGGTGAAGCGAGCTGCTGAACCCCCAGTGGTGCAGCCTGTGCCT-3'
Protein context (NP_001335645.1, residues 180-200): LHLEHKRNYG[Ala190=]KRGGPPVKRA